The following is an entry in ClinVar:

NM_003072.5(SMARCA4):c.223C>T (p.Pro75Ser)

Gene: SMARCA4 (SWI/SNF related BAF chromatin remodeling complex subunit ATPase 4; plus strand). Cytogenetic location: 19p13.2.
Variant type: single nucleotide variant.
Coding change: c.223C>T on transcript NM_003072.5 (MANE Select); coding-DNA position 223, C replaced by T.
Protein change: p.Pro75Ser; replaces proline 75 with serine.
Molecular consequence: missense variant. On other transcripts: non-coding transcript variant (1).
Genome position (GRCh38, 1-based): chr19:10,985,273, C>T. VCF-style: chr19-10985273-C-T. GRCh37 (hg19) VCF-style: chr19-11095949-C-T.
Other names: c.223C>T, p.Pro75Ser (NM_001128844.3, NM_001128845.2, NM_001128846.2 and 5 more transcripts); short protein forms P75S.
Identifiers: ClinVar variation 484940 (VCV000484940.5), dbSNP rs1555751928, ClinGen allele CA404055070.

ClinVar aggregate classification (germline): Uncertain significance (1 of 4 stars; one submission).

Conditions:
Hereditary cancer-predisposing syndrome. Also called: Neoplastic Syndromes, Hereditary; Tumor predisposition; Hereditary Cancer Syndrome; Hereditary neoplastic syndrome. Identifiers: Orphanet 140162, MedGen C0027672, MeSH D009386, MONDO:0015356.

Submission:

Ambry Genetics
Classification: Uncertain significance for Hereditary cancer-predisposing syndrome. Last evaluated: 2016-12-19. Review status: criteria provided, single submitter. Criteria: Ambry Variant Classification Scheme 2023. Collection method: clinical testing. Allele origin: germline.
Comment: The p.P75S variant (also known as c.223C>T) is located in coding exon 2 of the SMARCA4 gene. The proline at codon 75 is replaced by serine, an amino acid with similar properties. This amino acid position is highly conserved in available vertebrate species. In addition, the in silico prediction for this alteration is inconclusive. Since supporting evidence is limited at this time, the clinical significance of this alteration remains unclear.